The following is an entry in ClinVar:

ClinVar aggregate classification (germline): Uncertain significance (1 of 4 stars; one submission).

Conditions:
Pityriasis rubra pilaris (PRP). Also called: Pityriasis rubra pilaris--familial type. Identifiers: Orphanet 2897, MedGen C0032027, MONDO:0100017, OMIM 173200, MONDO:0008251.
Psoriasis 2. Identifiers: MedGen C1864497, MONDO:0011269, OMIM 602723.

Submission:

Labcorp Genetics (formerly Invitae), Labcorp
Classification: Uncertain significance for Pityriasis rubra pilaris; Psoriasis 2. Last evaluated: 2022-03-17. Review status: criteria provided, single submitter. Criteria: Invitae Variant Classification Sherloc (09022015). Collection method: clinical testing. Allele origin: germline.
Comment: In summary, the available evidence is currently insufficient to determine the role of this variant in disease. Therefore, it has been classified as a Variant of Uncertain Significance. This variant has not been reported in the literature in individuals affected with CARD14-related conditions. This variant is present in population databases (rs780143594, gnomAD 0.04%). This sequence change creates a premature translational stop signal (p.Ser480Glnfs*38) in the CARD14 gene. It is expected to result in an absent or disrupted protein product. However, the current clinical and genetic evidence is not sufficient to establish whether loss-of-function variants in CARD14 cause disease.

NM_001366385.1(CARD14):c.1437dup (p.Ser480fs)

Gene: CARD14 (caspase recruitment domain family member 14; plus strand). Cytogenetic location: 17q25.3.
Variant type: Duplication.
Coding change: c.1437dup on transcript NM_001366385.1 (MANE Select); coding-DNA position 1437, one base duplicated (C; older notation c.1437dupC).
Protein change: p.Ser480fs; shifts the reading frame from serine 480.
Molecular consequence: frameshift variant. On other transcripts: non-coding transcript variant (1).
Genome position (GRCh38, 1-based): chr17:80,195,271, C duplicated; the last of 6 consecutive C bases (chr17:80,195,266-80,195,271); duplicating any one gives the same sequence. VCF-style (leftmost placement, unchanged base first): chr17-80195265-G-GC. GRCh37 (hg19) VCF-style: chr17-78169064-G-GC.
Other names: c.1437dup, p.Ser480fs (NM_001257970.1, NM_024110.4); c.726dup, p.Ser243fs (NM_052819.3); short protein forms S243fs, S480fs.
Identifiers: ClinVar variation 2069254 (VCV002069254.4), dbSNP rs780143594, ClinGen allele CA8816828.
Genomic context (GRCh38, chr17:80,195,265, plus strand): 5'-GGACCTGAGTGCCACGTCCAGCCGCGAGCTGGTGGACAGCTTCCGCTCCAGCAGCCCCGC[G>GC]CCCCCCAGCCAGCAGTCCCTGTACAAGCGGGTGGCCGAGGACTTCGGGGAAGAACCCTGG-3'